The following is an entry in ClinVar:

ClinVar aggregate classification (germline): Uncertain significance (1 of 4 stars; one submission).

Allele frequency attached by ClinVar (database versions not stated): gnomAD exomes below 0.00001 and 0.00001; ExAC 0.00001; gnomAD 0.00001; TOPMed 0.00001.
gnomAD v4.1: 3 of 1,552,162 alleles (0.00019%); highest among the groups gnomAD compares: African/African-American, 0.0041%; no homozygotes.

Submission:

Labcorp Genetics (formerly Invitae), Labcorp
Classification: Uncertain significance. Last evaluated: 2022-03-19. Review status: criteria provided, single submitter. Criteria: Invitae Variant Classification Sherloc (09022015). Collection method: clinical testing. Allele origin: germline.
Comment: In summary, the available evidence is currently insufficient to determine the role of this variant in disease. Therefore, it has been classified as a Variant of Uncertain Significance. Algorithms developed to predict the effect of missense changes on protein structure and function (SIFT, PolyPhen-2, Align-GVGD) all suggest that this variant is likely to be disruptive. This variant has not been reported in the literature in individuals affected with POLE2-related conditions. The frequency data for this variant in the population databases is considered unreliable, as metrics indicate poor data quality at this position in the gnomAD database. This sequence change replaces glycine, which is neutral and non-polar, with aspartic acid, which is acidic and polar, at codon 500 of the POLE2 protein (p.Gly500Asp).

NM_002692.4(POLE2):c.1499G>A (p.Gly500Asp)

Gene: POLE2 (DNA polymerase epsilon 2, accessory subunit; minus strand). Cytogenetic location: 14q21.3.
Variant type: single nucleotide variant.
Coding change: c.1499G>A on transcript NM_002692.4 (MANE Select); coding-DNA position 1499, G replaced by A.
Protein change: p.Gly500Asp; replaces glycine 500 with aspartic acid.
Molecular consequence: missense variant.
Genome position (GRCh38, 1-based): chr14:49,647,359, C>T on the plus strand (G>A on the coding strand, the complement: POLE2 is on the minus strand). VCF-style: chr14-49647359-C-T. GRCh37 (hg19) VCF-style: chr14-50114077-C-T.
Other names: c.1421G>A, p.Gly474Asp (NM_001197330.2); c.1496G>A, p.Gly499Asp (NM_001348384.2); c.1268G>A, p.Gly423Asp (NM_001348385.2); short protein forms G474D, G423D, G499D, G500D.
Identifiers: ClinVar variation 1349929 (VCV001349929.8), dbSNP rs763742302, ClinGen allele CA7173230.